The following is an entry in ClinVar:

NM_004655.4(AXIN2):c.1705C>T (p.Gln569Ter)

Gene: AXIN2 (axin 2; minus strand). Cytogenetic location: 17q24.1.
Variant type: single nucleotide variant.
Coding change: c.1705C>T on transcript NM_004655.4 (MANE Select); coding-DNA position 1705, C replaced by T.
Protein change: p.Gln569Ter; replaces glutamine 569 with a stop codon.
Molecular consequence: nonsense.
Genome position (GRCh38, 1-based): chr17:65,537,331, G>A on the plus strand (C>T on the coding strand, the complement: AXIN2 is on the minus strand). VCF-style: chr17-65537331-G-A. GRCh37 (hg19) VCF-style: chr17-63533449-G-A.
Other names: c.1705C>T, p.Gln569Ter (NM_001363813.1); short protein forms Q569*.
Identifiers: ClinVar variation 1453647 (VCV001453647.9), dbSNP rs2144455707, ClinGen allele CA400676794.

ClinVar aggregate classification (germline): Pathogenic. Review status: criteria provided, multiple submitters, no conflicts (2 of 4 stars). 2 submissions from 2 submitters: Pathogenic (2). Last evaluated 2025-10-21.

Conditions:
Oligodontia-cancer predisposition syndrome. Also called: TOOTH AGENESIS-COLORECTAL CANCER SYNDROME. Identifiers: Orphanet 300576, MedGen C1837750, MONDO:0012075, OMIM 608615. Disease mechanism: loss of function.
Hereditary cancer-predisposing syndrome. Also called: Tumor predisposition; Neoplastic Syndromes, Hereditary; Hereditary Cancer Syndrome; Hereditary neoplastic syndrome. Identifiers: Orphanet 140162, MedGen C0027672, MeSH D009386, MONDO:0015356.

Submissions (2):

Ambry Genetics
Classification: Pathogenic for Hereditary cancer-predisposing syndrome. Last evaluated: 2025-10-21. Review status: criteria provided, single submitter. Criteria: Ambry Variant Classification Scheme 2023. Collection method: clinical testing. Allele origin: germline.
Comment: The p.Q569* pathogenic mutation (also known as c.1705C>T), located in coding exon 5 of the AXIN2 gene, results from a C to T substitution at nucleotide position 1705. This changes the amino acid from a glutamine to a stop codon within coding exon 5. This variant is considered to be rare based on population cohorts in the Genome Aggregation Database (gnomAD). This alteration is expected to result in loss of function by premature protein truncation or nonsense-mediated mRNA decay. As such, this alteration is interpreted as a disease-causing mutation.

Labcorp Genetics (formerly Invitae), Labcorp
Classification: Pathogenic for Oligodontia-cancer predisposition syndrome. Last evaluated: 2021-10-04. Review status: criteria provided, single submitter. Criteria: Invitae Variant Classification Sherloc (09022015). Collection method: clinical testing. Allele origin: germline.
Comment: For these reasons, this variant has been classified as Pathogenic. This variant has not been reported in the literature in individuals affected with AXIN2-related conditions. This variant is not present in population databases (ExAC no frequency). This sequence change creates a premature translational stop signal (p.Gln569*) in the AXIN2 gene. It is expected to result in an absent or disrupted protein product. Loss-of-function variants in AXIN2 are known to be pathogenic (PMID: 15042511, 21416598).

Literature cited by the submitters: PubMed 15042511 (cited by Labcorp Genetics (formerly Invitae), Labcorp); PubMed 21416598 (cited by Labcorp Genetics (formerly Invitae), Labcorp).